The following is an entry in ClinVar:

NM_006516.4(SLC2A1):c.*10G>C

Gene: SLC2A1 (solute carrier family 2 member 1; minus strand). Cytogenetic location: 1p34.2.
Variant type: single nucleotide variant.
Coding change: c.*10G>C on transcript NM_006516.4 (MANE Select); 10 bases downstream of the stop codon, G replaced by C.
Molecular consequence: 3 prime UTR variant.
Genome position (GRCh38, 1-based): chr1:42,927,031, C>G on the plus strand (G>C on the coding strand, the complement: SLC2A1 is on the minus strand). VCF-style: chr1-42927031-C-G. GRCh37 (hg19) VCF-style: chr1-43392702-C-G.
Identifiers: ClinVar variation 4684864 (VCV004684864.1).

ClinVar aggregate classification (germline): Likely benign (1 of 4 stars; one submission).

gnomAD v4.1: 2 of 1,612,802 alleles (0.00012%); highest among the groups gnomAD compares: African/African-American, 0.0013%; no homozygotes.

Submission:

Mayo Clinic Laboratories, Mayo Clinic
Classification: Likely benign. Last evaluated: 2025-06-04. Review status: criteria provided, single submitter. Criteria: ACMG Guidelines, 2015. Collection method: clinical testing. Allele origin: germline. Observed: 1 variant allele.
Comment: BP4, BP7